The following is an entry in ClinVar:

NM_001148.6(ANK2):c.11302T>C (p.Tyr3768His)

Gene: ANK2 (ankyrin 2; plus strand). Cytogenetic location: 4q26.
Variant type: single nucleotide variant.
Coding change: c.11302T>C on transcript NM_001148.6 (MANE Select); coding-DNA position 11302, T replaced by C.
Protein change: p.Tyr3768His; replaces tyrosine 3768 with histidine.
Molecular consequence: missense variant.
Genome position (GRCh38, 1-based): chr4:113,367,835, T>C. VCF-style: chr4-113367835-T-C. GRCh37 (hg19) VCF-style: chr4-114288991-T-C.
Other names: c.5020T>C, p.Tyr1674His (NM_001127493.3); c.5059T>C, p.Tyr1687His (NM_001354225.2); c.4948T>C, p.Tyr1650His (NM_001354228.2, NM_001354258.2); c.5026T>C, p.Tyr1676His (NM_001354230.2); c.5089T>C, p.Tyr1697His (NM_001354231.2, NM_001354242.2); c.5083T>C, p.Tyr1695His (NM_001354232.2); c.5044T>C, p.Tyr1682His (NM_001354235.2, NM_001354246.2, NM_001354265.2); c.4945T>C, p.Tyr1649His (NM_001354236.2); and 36 more; short protein forms Y1522H, Y1605H, Y1608H, Y1617H, Y1628H, Y1631H, Y1640H, Y1650H.
Identifiers: ClinVar variation 1046286 (VCV001046286.8), dbSNP rs771710685, ClinGen allele CA3052258.
Genomic context (GRCh38, chr4:113,367,835, plus strand): 5'-CAAGTTCAACAGGATTTCTCAGGGAAAATGCAAGACCTGCCTGAAGAGTCATCTCTGGAA[T>C]ATCAGCAGGAATATTTGTGAGTTTCCAAAGAAAGCCTGTCAAATGTAATACCAAAGAAAC-3'
Protein context (NP_001139.3, residues 3758-3778): QDLPEESSLE[Tyr3768His]QQEYFVTTPG

ClinVar aggregate classification (germline): Uncertain significance. Review status: criteria provided, multiple submitters, no conflicts (2 of 4 stars). 3 submissions from 3 submitters: Uncertain significance (3). Last evaluated 2021-07-09.

Conditions:
Long QT syndrome (LQTS). Identifiers: MedGen C0023976, MeSH D008133, MONDO:0002442. Disease mechanism: loss of function. Inheritance: Various modes of inheritance.
Cardiovascular phenotype. Identifiers: MedGen CN230736.
Cardiac arrhythmia, ankyrin-B-related. Also called: ANKYRIN-B SYNDROME. Identifiers: Orphanet 101016, Orphanet 768, MedGen C1970119, MONDO:0010958, OMIM 600919.

Allele frequency attached by ClinVar (database versions not stated): ExAC 0.00001; gnomAD exomes 0.00001; TOPMed 0.00001.
gnomAD v4.1: 3 of 1,614,146 alleles (0.00019%); highest among the groups gnomAD compares: Non-Finnish European, 0.00025%; no homozygotes.

Submissions (3):

Fulgent Genetics
Classification: Uncertain significance for Cardiac arrhythmia, ankyrin-B-related. Last evaluated: 2021-07-09. Review status: criteria provided, single submitter. Criteria: ACMG Guidelines, 2015. Collection method: clinical testing. Allele origin: unknown.

Ambry Genetics
Classification: Uncertain significance for Cardiovascular phenotype. Last evaluated: 2021-06-12. Review status: criteria provided, single submitter. Criteria: Ambry Variant Classification Scheme 2023. Collection method: clinical testing. Allele origin: germline.
Comment: The p.Y3768H variant (also known as c.11302T>C), located in coding exon 42 of the ANK2 gene, results from a T to C substitution at nucleotide position 11302. The tyrosine at codon 3768 is replaced by histidine, an amino acid with similar properties. This amino acid position is conserved. In addition, this alteration is predicted to be tolerated by in silico analysis. Since supporting evidence is limited at this time, the clinical significance of this alteration remains unclear.

Labcorp Genetics (formerly Invitae), Labcorp
Classification: Uncertain significance for Long QT syndrome. Last evaluated: 2020-07-30. Review status: criteria provided, single submitter. Criteria: Invitae Variant Classification Sherloc (09022015). Collection method: clinical testing. Allele origin: germline.
Comment: In summary, the available evidence is currently insufficient to determine the role of this variant in disease. Therefore, it has been classified as a Variant of Uncertain Significance. Algorithms developed to predict the effect of missense changes on protein structure and function output the following: SIFT: "Tolerated"; PolyPhen-2: "Benign"; Align-GVGD: "Class C0". The histidine amino acid residue is found in multiple mammalian species, suggesting that this missense change does not adversely affect protein function. These predictions have not been confirmed by published functional studies and their clinical significance is uncertain. This variant has not been reported in the literature in individuals with ANK2-related conditions. This variant is present in population databases (rs771710685, ExAC 0.002%). This sequence change replaces tyrosine with histidine at codon 3768 of the ANK2 protein (p.Tyr3768His). The tyrosine residue is weakly conserved and there is a moderate physicochemical difference between tyrosine and histidine.